The following is an entry in ClinVar:

NM_013291.3(CPSF1):c.2163_2164del (p.Gly723fs)

Gene: CPSF1 (cleavage and polyadenylation specific factor 1; minus strand). Cytogenetic location: 8q24.3.
Variant type: Deletion.
Coding change: c.2163_2164del on transcript NM_013291.3 (MANE Select); coding-DNA positions 2163 to 2164, 2 bases deleted (CG; older notation c.2163_2164delCG).
Protein change: p.Gly723fs; shifts the reading frame from glycine 723.
Molecular consequence: frameshift variant.
Genome position (GRCh38, 1-based): chr8:144,397,789-144,397,790, CG deleted on the plus strand (CG on the coding strand, the reverse complement: CPSF1 is on the minus strand). VCF-style (leftmost placement, unchanged base first): chr8-144397788-CCG-C. GRCh37 (hg19) VCF-style: chr8-145623003-CCG-C.
Other names: short protein forms G723fs.
Identifiers: ClinVar variation 1300001 (VCV001300001.9), dbSNP rs562635122, ClinGen allele CA4940090.

ClinVar aggregate classification (germline): Conflicting classifications of pathogenicity. Review status: criteria provided, conflicting classifications (1 of 4 stars). 4 submissions from 4 submitters: Uncertain significance (1); Benign (1). 2 of the submissions do not count toward it. Last evaluated 2025-06-01.

Allele frequency attached by ClinVar (database versions not stated): gnomAD exomes 0.00025 and 0.00040; ExAC 0.00043; ESP Exome Variant Server 0.00113; gnomAD 0.00167 and 0.00168; 1000 Genomes Project 0.00240; 1000 Genomes Project 30x 0.00250.

Submissions (4):

CeGaT Center for Human Genetics Tuebingen
Classification: Benign. Last evaluated: 2025-06-01. Review status: criteria provided, single submitter. Criteria: CeGaT Center For Human Genetics Tuebingen Variant Classification Criteria Version 2. Collection method: clinical testing. Allele origin: germline. Affected: yes. Observed: 2 variant alleles.
Comment: CPSF1: BS1, BS2

Breakthrough Genomics
Classification: Uncertain significance. Review status: criteria provided, single submitter. Criteria: ACMG Guidelines, 2015. Collection method: not provided. Allele origin: germline. Inheritance: Autosomal recessive inheritance. Affected: yes.

Clinical Genetics DNA and cytogenetics Diagnostics Lab, Erasmus MC, Erasmus Medical Center
Classification: Uncertain significance. Review status: no assertion criteria provided. Collection method: clinical testing. Allele origin: germline. Affected: yes. Study: VKGL Data-share Consensus. Not counted in ClinVar's aggregate classification.

Laboratory of Diagnostic Genome Analysis, Leiden University Medical Center (LUMC)
Classification: Uncertain significance. Review status: no assertion criteria provided. Collection method: clinical testing. Allele origin: germline. Affected: yes. Study: VKGL Data-share Consensus. Not counted in ClinVar's aggregate classification.